The following is an entry in ClinVar:

ClinVar aggregate classification (germline): Uncertain significance (1 of 4 stars; one submission).

Conditions:
TTN-related disorder. Also called: TTN-related disorders; TTN-related condition; TTN-related disease.

Submission:

PreventionGenetics, part of Exact Sciences
Classification: Uncertain significance for TTN-related condition. Last evaluated: 2026-09-15. Review status: criteria provided, single submitter. Criteria: ACMG Guidelines, 2015. Collection method: clinical testing. Allele origin: germline.
Comment: The TTN c.35917C>G variant is predicted to result in the amino acid substitution p.Pro11973Ala. To our knowledge, this variant has not been reported in the literature or in a large population database (gnomAD), indicating this variant is rare. At this time, the clinical significance of this variant is uncertain due to the absence of conclusive functional and genetic evidence.

NM_001267550.2(TTN):c.35917C>G (p.Pro11973Ala)

Gene: TTN (titin; minus strand). Cytogenetic location: 2q31.2.
Variant type: single nucleotide variant.
Coding change: c.35917C>G on transcript NM_001267550.2 (MANE Select); coding-DNA position 35917, C replaced by G.
Protein change: p.Pro11973Ala; replaces proline 11973 with alanine.
Molecular consequence: missense variant. On other transcripts: intron variant (5).
Genome position (GRCh38, 1-based): chr2:178,665,750, G>C on the plus strand (C>G on the coding strand, the complement: TTN is on the minus strand). VCF-style: chr2-178665750-G-C. GRCh37 (hg19) VCF-style: chr2-179530477-G-C.
Other names: c.13283-23433C>G (NM_003319.4); c.13859-23433C>G (NM_133437.4); c.13658-23433C>G (NM_133432.3); c.31484-2695C>G (NM_133378.4); c.34265-2695C>G (NM_001256850.1); short protein forms P11973A.
Identifiers: ClinVar variation 4986234 (VCV004986234.1).
Genomic context (GRCh38, chr2:178,665,750, plus strand): 5'-TGGCAGGATGAACGATACCTTTAGTGGGAGGTATTTCAATTTCAAGGGGAGCAGCCATGG[G>C]TGTTTCCTTTACAGGGACAATTTCTCGAGGTGATTCAGGCACTTTAAAGATATGAATGCA-3'
Protein context (NP_001254479.2, residues 11963-11983): PREIVPVKET[Pro11973Ala]MAAPLEIEIP